The following is an entry in ClinVar:

NM_013444.4(UBQLN2):c.938G>A (p.Arg313His)

Gene: UBQLN2 (ubiquilin 2; plus strand). Cytogenetic location: Xp11.21.
Variant type: single nucleotide variant.
Coding change: c.938G>A on transcript NM_013444.4 (MANE Select); coding-DNA position 938, G replaced by A.
Protein change: p.Arg313His; replaces arginine 313 with histidine.
Molecular consequence: missense variant.
Genome position (GRCh38, 1-based): chrX:56,564,811, G>A. VCF-style: chrX-56564811-G-A. GRCh37 (hg19) VCF-style: chrX-56591244-G-A.
Other names: short protein forms R313H.
Identifiers: ClinVar variation 955732 (VCV000955732.8), dbSNP rs2068632850, ClinGen allele CA413379483.
Genomic context (GRCh38, chrX:56,564,811, plus strand): 5'-CCTCCGTGGGGAGTAGTTCCTCCTCTGGGGAAGGTACGCAGCCTTCCCGCACAGAAAATC[G>A]CGATCCACTACCCAATCCATGGGCACCACCGCCAGCTACCCAGAGTTCTGCAACTACCAG-3'
Protein context (NP_038472.2, residues 303-323): EGTQPSRTEN[Arg313His]DPLPNPWAPP

ClinVar aggregate classification (germline): Uncertain significance (1 of 4 stars; one submission).

Conditions:
Amyotrophic lateral sclerosis type 15. Also called: AMYOTROPHIC LATERAL SCLEROSIS 15 WITH FRONTOTEMPORAL DEMENTIA. Identifiers: Orphanet 803, MedGen C3275459, MONDO:0010459, OMIM 300857.

Submission:

Labcorp Genetics (formerly Invitae), Labcorp
Classification: Uncertain significance for Amyotrophic lateral sclerosis type 15. Last evaluated: 2019-07-17. Review status: criteria provided, single submitter. Criteria: Invitae Variant Classification Sherloc (09022015). Collection method: clinical testing. Allele origin: germline.
Comment: In summary, the available evidence is currently insufficient to determine the role of this variant in disease. Therefore, it has been classified as a Variant of Uncertain Significance. Algorithms developed to predict the effect of missense changes on protein structure and function are either unavailable or do not agree on the potential impact of this missense change (SIFT: "Not Available"; PolyPhen-2: "Probably Damaging"; Align-GVGD: "Not Available"). This variant has not been reported in the literature in individuals with UBQLN2-related conditions. This variant is not present in population databases (ExAC no frequency). This sequence change replaces arginine with histidine at codon 313 of the UBQLN2 protein (p.Arg313His). The arginine residue is highly conserved and there is a small physicochemical difference between arginine and histidine.